The following is an entry in ClinVar:

NM_017654.4(SAMD9):c.1465C>G (p.Pro489Ala)

Gene: SAMD9 (sterile alpha motif domain containing 9; minus strand). Cytogenetic location: 7q21.2.
Variant type: single nucleotide variant.
Coding change: c.1465C>G on transcript NM_017654.4 (MANE Select); coding-DNA position 1465, C replaced by G.
Protein change: p.Pro489Ala; replaces proline 489 with alanine.
Molecular consequence: missense variant.
Genome position (GRCh38, 1-based): chr7:93,104,633, G>C on the plus strand (C>G on the coding strand, the complement: SAMD9 is on the minus strand). VCF-style: chr7-93104633-G-C. GRCh37 (hg19) VCF-style: chr7-92733946-G-C.
Other names: c.1465C>G, p.Pro489Ala (NM_001193307.2); short protein forms P489A.
Identifiers: ClinVar variation 3791916 (VCV003791916.2).
Genomic context (GRCh38, chr7:93,104,633, plus strand): 5'-CAAAGGGTTTATATTTTTCACTGTCAAGGTCTAACCTGCCATTGCAGAAAATCCAGCTGG[G>C]TTGATGGTAAAGATTTAGAGTAGAAATCGTCTCATTTGGTGTGGTTTTCTGTTCTACATA-3'
Protein context (NP_060124.2, residues 479-499): TISTLNLYHQ[Pro489Ala]SWIFCNGRLD

ClinVar aggregate classification (germline): Uncertain significance. Review status: criteria provided, multiple submitters, no conflicts (2 of 4 stars). 2 submissions from 2 submitters: Uncertain significance (2). Last evaluated 2025-06-20.

Conditions:
Inborn genetic diseases. Identifiers: MedGen C0950123, MeSH D030342.

Submissions (2):

Labcorp Genetics (formerly Invitae), Labcorp
Classification: Uncertain significance. Last evaluated: 2025-06-20. Review status: criteria provided, single submitter. Criteria: Invitae Variant Classification Sherloc (09022015). Collection method: clinical testing. Allele origin: germline.
Comment: This sequence change replaces proline, which is neutral and non-polar, with alanine, which is neutral and non-polar, at codon 489 of the SAMD9 protein (p.Pro489Ala). This variant is not present in population databases (gnomAD no frequency). This variant has not been reported in the literature in individuals affected with SAMD9-related conditions. ClinVar contains an entry for this variant (Variation ID: 3791916). Invitae Evidence Modeling of protein sequence and biophysical properties (such as structural, functional, and spatial information, amino acid conservation, physicochemical variation, residue mobility, and thermodynamic stability) indicates that this missense variant is not expected to disrupt SAMD9 protein function with a negative predictive value of 95%. In summary, the available evidence is currently insufficient to determine the role of this variant in disease. Therefore, it has been classified as a Variant of Uncertain Significance.

Ambry Genetics
Classification: Uncertain significance for Inborn genetic diseases. Last evaluated: 2024-12-15. Review status: criteria provided, single submitter. Criteria: Ambry Variant Classification Scheme 2023. Collection method: clinical testing. Allele origin: germline.
Comment: The p.P489A variant (also known as c.1465C>G), located in coding exon 1 of the SAMD9 gene, results from a C to G substitution at nucleotide position 1465. The proline at codon 489 is replaced by alanine, an amino acid with highly similar properties. This amino acid position is conserved. In addition, this alteration is predicted to be tolerated by in silico analysis. Based on the available evidence, the clinical significance of this variant remains unclear.